The following is an entry in ClinVar:

NM_000297.4(PKD2):c.748_781delinsT (p.Thr250_Pro261delinsSer)

Gene: PKD2 (polycystin 2, transient receptor potential cation channel; plus strand). Cytogenetic location: 4q22.1.
Variant type: Indel.
Coding change: c.748_781delinsT on transcript NM_000297.4 (MANE Select); coding-DNA positions 748 to 781, the reference bases replaced by T.
Protein change: p.Thr250_Pro261delinsSer.
Molecular consequence: inframe indel. On other transcripts: non-coding transcript variant (1).
Genome position (GRCh38, 1-based): chr4:88,036,258-88,036,291, 34 bases replaced. GRCh37 (hg19): chr4:88,957,410-88,957,443.
Identifiers: ClinVar variation 3242224 (VCV003242224.2), dbSNP rs2475895888.
Genomic context (GRCh38, chr4:88,036,258, plus strand): 5'-TTTGGATCTTTCTGTGTTCCAGTGACCTACGGCATGATGAGCTCCAATGTGTACTACTAC[ACCCGGATGATGTCACAGCTCTTCCTAGACACCC>T]CCGTGTCCAAAACGGAGAAAACTAACTTTAAAACTCTGTCTTCCATGGAAGACTTCTGGA-3'

ClinVar aggregate classification (germline): Uncertain significance (1 of 4 stars; one submission).

Conditions:
Polycystic kidney disease 2 (PKD2). Also called: Polycystic Kidney Disease 2, Autosomal Dominant; POLYCYSTIC KIDNEY DISEASE, ADULT, TYPE II; POLYCYSTIC KIDNEY DISEASE 2 WITH OR WITHOUT POLYCYSTIC LIVER DISEASE. Identifiers: MedGen C2751306, MONDO:0013131, OMIM 613095.

Submission:

Center for Human Genetics and Genomic Medicine, Uniklinik Rwth Aachen
Classification: Uncertain significance for Polycystic kidney disease 2. Last evaluated: 2024-06-10. Review status: criteria provided, single submitter. Criteria: ACMG Guidelines, 2015. Collection method: clinical testing. Allele origin: unknown. Inheritance: Autosomal dominant inheritance. Affected: yes. Observed: 1 heterozygote.
Comment: The detected change is not reported in the general population (gnomAD) (as of June 10, 2024). To our knowledge, the variant has not yet been listed in ClinVar, the PKD1/2 locus-specific database or the literature. The variant leads to a shortening of the protein within a non-repetitive region. The variant is currently considered a “variant of uncertain clinical significance” (ACMG criteria).